The following is an entry in ClinVar:

ClinVar aggregate classification (germline): Uncertain significance (1 of 4 stars; one submission).

Conditions:
Muscular dystrophy-dystroglycanopathy (congenital with brain and eye anomalies), type a, 11 (MDDGA11). Also called: WALKER-WARBURG SYNDROME OR MUSCLE-EYE-BRAIN DISEASE, B3GALNT2-RELATED; Congenital muscular dystrophy-dystroglycanopathy with brain and eye anomalies, type A11; Muscular dystrophy-dystroglycanopathy (congenital with brain and eye anomalies, type A, 11. Identifiers: Orphanet 588, Orphanet 899, MedGen C3554638, MONDO:0014071, OMIM 615181.

Allele frequency attached by ClinVar (database versions not stated): gnomAD exomes below 0.00001; TOPMed below 0.00001.
gnomAD v4.1: 5 of 1,613,508 alleles (0.00031%); highest among the groups gnomAD compares: Admixed American, 0.0033%; no homozygotes.

Submission:

Labcorp Genetics (formerly Invitae), Labcorp
Classification: Uncertain significance for Muscular dystrophy-dystroglycanopathy (congenital with brain and eye anomalies), type a, 11. Last evaluated: 2022-07-29. Review status: criteria provided, single submitter. Criteria: Invitae Variant Classification Sherloc (09022015). Collection method: clinical testing. Allele origin: germline.
Comment: Algorithms developed to predict the effect of missense changes on protein structure and function are either unavailable or do not agree on the potential impact of this missense change (SIFT: "Tolerated"; PolyPhen-2: "Probably Damaging"; Align-GVGD: "Class C0"). This variant has not been reported in the literature in individuals affected with B3GALNT2-related conditions. This variant is present in population databases (no rsID available, gnomAD 0.006%). This sequence change replaces lysine, which is basic and polar, with arginine, which is basic and polar, at codon 396 of the B3GALNT2 protein (p.Lys396Arg). In summary, the available evidence is currently insufficient to determine the role of this variant in disease. Therefore, it has been classified as a Variant of Uncertain Significance.

NM_152490.5(B3GALNT2):c.1187A>G (p.Lys396Arg)

Gene: B3GALNT2 (beta-1,3-N-acetylgalactosaminyltransferase 2; minus strand). Cytogenetic location: 1q42.3.
Variant type: single nucleotide variant.
Coding change: c.1187A>G on transcript NM_152490.5 (MANE Select); coding-DNA position 1187, A replaced by G.
Protein change: p.Lys396Arg; replaces lysine 396 with arginine.
Molecular consequence: missense variant.
Genome position (GRCh38, 1-based): chr1:235,454,280, T>C on the plus strand (A>G on the coding strand, the complement: B3GALNT2 is on the minus strand). VCF-style: chr1-235454280-T-C. GRCh37 (hg19) VCF-style: chr1-235617592-T-C.
Other names: short protein forms K396R.
Identifiers: ClinVar variation 2054746 (VCV002054746.2), dbSNP rs898996974, ClinGen allele CA39607258.